The following is an entry in ClinVar:

ClinVar aggregate classification (germline): Uncertain significance (1 of 4 stars; one submission).

Conditions:
Joubert syndrome. Also called: CEREBELLOPARENCHYMAL DISORDER IV; JOUBERT-BOLTSHAUSER SYNDROME; Familial aplasia of the vermis. Identifiers: Orphanet 475, MedGen C5979921, MONDO:0018772.

Submission:

Labcorp Genetics (formerly Invitae), Labcorp
Classification: Uncertain significance for Joubert syndrome. Last evaluated: 2023-05-08. Review status: criteria provided, single submitter. Criteria: Invitae Variant Classification Sherloc (09022015). Collection method: clinical testing. Allele origin: germline.
Comment: This variant is not present in population databases (gnomAD no frequency). This sequence change replaces lysine, which is basic and polar, with arginine, which is basic and polar, at codon 493 of the AHI1 protein (p.Lys493Arg). This variant has not been reported in the literature in individuals affected with AHI1-related conditions. In summary, the available evidence is currently insufficient to determine the role of this variant in disease. Therefore, it has been classified as a Variant of Uncertain Significance. Advanced modeling of protein sequence and biophysical properties (such as structural, functional, and spatial information, amino acid conservation, physicochemical variation, residue mobility, and thermodynamic stability) performed at Invitae indicates that this missense variant is not expected to disrupt AHI1 protein function. ClinVar contains an entry for this variant (Variation ID: 2042521).

NM_001134831.2(AHI1):c.1478A>G (p.Lys493Arg)

Gene: AHI1 (Abelson helper integration site 1; minus strand). Cytogenetic location: 6q23.3.
Variant type: single nucleotide variant.
Coding change: c.1478A>G on transcript NM_001134831.2 (MANE Select); coding-DNA position 1478, A replaced by G.
Protein change: p.Lys493Arg; replaces lysine 493 with arginine.
Molecular consequence: missense variant.
Genome position (GRCh38, 1-based): chr6:135,448,438, T>C on the plus strand (A>G on the coding strand, the complement: AHI1 is on the minus strand). VCF-style: chr6-135448438-T-C. GRCh37 (hg19) VCF-style: chr6-135769576-T-C.
Other names: c.1478A>G, p.Lys493Arg (NM_001134830.2, NM_001134832.2, NM_001350503.2 and 2 more transcripts); short protein forms K493R.
Identifiers: ClinVar variation 2042521 (VCV002042521.4), dbSNP rs2484789792, ClinGen allele CA365745583.
Genomic context (GRCh38, chr6:135,448,438, plus strand): 5'-TCAACAACACTTAATGGGGATCGAGGCTTAGTAGGTGGGTAATATAGCTGCAAGCGAAGT[T>C]TTGAGTTGATGTTTGCATTTCCATTGGCTCCCAGAAGCTTAAAATAAGAATTCATATAAA-3'
Protein context (NP_001128303.1, residues 483-503): GANGNANINS[Lys493Arg]LRLQLYYPPT